The following is an entry in ClinVar:

ClinVar aggregate classification (germline): Uncertain significance (1 of 4 stars; one submission).

Allele frequency attached by ClinVar (database versions not stated): TOPMed below 0.00001.

Submission:

Labcorp Genetics (formerly Invitae), Labcorp
Classification: Uncertain significance. Last evaluated: 2023-08-10. Review status: criteria provided, single submitter. Criteria: Invitae Variant Classification Sherloc (09022015). Collection method: clinical testing. Allele origin: germline.
Comment: This sequence change replaces threonine, which is neutral and polar, with alanine, which is neutral and non-polar, at codon 1750 of the NBAS protein (p.Thr1750Ala). This variant is not present in population databases (gnomAD no frequency). This variant has not been reported in the literature in individuals affected with NBAS-related conditions. ClinVar contains an entry for this variant (Variation ID: 1370984). Advanced modeling of protein sequence and biophysical properties (such as structural, functional, and spatial information, amino acid conservation, physicochemical variation, residue mobility, and thermodynamic stability) performed at Invitae indicates that this missense variant is not expected to disrupt NBAS protein function. In summary, the available evidence is currently insufficient to determine the role of this variant in disease. Therefore, it has been classified as a Variant of Uncertain Significance.

NM_015909.4(NBAS):c.5248A>G (p.Thr1750Ala)

Gene: NBAS (NBAS subunit of NRZ tethering complex; minus strand). Cytogenetic location: 2p24.3.
Variant type: single nucleotide variant.
Coding change: c.5248A>G on transcript NM_015909.4 (MANE Select); coding-DNA position 5248, A replaced by G.
Protein change: p.Thr1750Ala; replaces threonine 1750 with alanine.
Molecular consequence: missense variant. On other transcripts: non-coding transcript variant (1).
Genome position (GRCh38, 1-based): chr2:15,276,992, T>C on the plus strand (A>G on the coding strand, the complement: NBAS is on the minus strand). VCF-style: chr2-15276992-T-C. GRCh37 (hg19) VCF-style: chr2-15417116-T-C.
Other names: short protein forms T1750A.
Identifiers: ClinVar variation 1370984 (VCV001370984.6), dbSNP rs1259835627, ClinGen allele CA345883790.